The following is an entry in ClinVar:

NM_000138.5(FBN1):c.7710_7712del (p.Glu2570_Cys2571delinsAsp)

Gene: FBN1 (fibrillin 1; minus strand). Cytogenetic location: 15q21.1.
Variant type: Deletion.
Coding change: c.7710_7712del on transcript NM_000138.5 (MANE Select); coding-DNA positions 7710 to 7712, 3 bases deleted (GTG; older notation c.7710_7712delGTG).
Protein change: p.Glu2570_Cys2571delinsAsp.
Molecular consequence: inframe indel.
Genome position (GRCh38, 1-based): chr15:48,420,794-48,420,796, CAC deleted on the plus strand (GTG on the coding strand, the reverse complement: FBN1 is on the minus strand). VCF-style (leftmost placement, unchanged base first): chr15-48420793-ACAC-A. GRCh37 (hg19) VCF-style: chr15-48712990-ACAC-A.
Other names: c.7710_7712del, p.Glu2570_Cys2571delinsAsp (NM_001406716.1).
Identifiers: ClinVar variation 2943188 (VCV002943188.3), dbSNP rs2505395364, ClinGen allele CA2740096612.

ClinVar aggregate classification (germline): Likely pathogenic (1 of 4 stars; one submission).

Conditions:
Marfan syndrome (MFS). Also called: MARFAN SYNDROME, TYPE I; Marfan syndrome type 1; Marfan's syndrome; Marfan syndrome, classic; FBN1-Related Marfan Syndrome. Identifiers: Orphanet 284963, Orphanet 558, MedGen C0024796, MONDO:0007947, OMIM 154700.
Familial thoracic aortic aneurysm and aortic dissection (TAAD). Also called: Thoracic aortic aneurysms and dissections. Identifiers: Orphanet 91387, MedGen C4707243, MONDO:0019625.

Submission:

Labcorp Genetics (formerly Invitae), Labcorp
Classification: Likely pathogenic for Marfan syndrome; Familial thoracic aortic aneurysm and aortic dissection. Last evaluated: 2023-01-14. Review status: criteria provided, single submitter. Criteria: Invitae Variant Classification Sherloc (09022015). Collection method: clinical testing. Allele origin: germline.
Comment: In summary, the currently available evidence indicates that the variant is pathogenic, but additional data are needed to prove that conclusively. Therefore, this variant has been classified as Likely Pathogenic. This variant affects a cysteine residue in the EGF-like, TGFBP or hybrid motif domains of FBN1. Cysteine residues are believed to be involved in intramolecular disulfide bridges and have been shown to be important for FBN1 protein structure (PMID: 16905551, 19349279). In addition, missense substitutions affecting cysteine residues within these domains are significantly overrepresented among patients with Marfan syndrome (PMID: 16571647, 17701892). Experimental studies and prediction algorithms are not available or were not evaluated, and the functional significance of this variant is currently unknown. This variant has been observed in individual(s) with Marfan syndrome (Invitae). This variant is not present in population databases (gnomAD no frequency). This variant, c.7710_7712del, is a complex sequence change that results in the deletion of 2 and insertion of 1 amino acid(s) in the FBN1 protein (p.Glu2570_Cys2571delinsAsp).

Literature cited by the submitters: PubMed 16905551; PubMed 19349279; PubMed 16571647; PubMed 17701892.